The following is an entry in ClinVar:

NM_000059.4(BRCA2):c.6409_6410del (p.Asn2137fs)

Gene: BRCA2 (BRCA2 DNA repair associated; plus strand). Cytogenetic location: 13q13.1.
Variant type: Deletion.
Coding change: c.6409_6410del on transcript NM_000059.4 (MANE Select); coding-DNA positions 6409 to 6410, 2 bases deleted (AA; older notation c.6409_6410delAA).
Protein change: p.Asn2137fs; shifts the reading frame from asparagine 2137.
Molecular consequence: frameshift variant.
Genome position (GRCh38, 1-based): chr13:32,340,764-32,340,765, AA deleted; deleting any 2 consecutive bases within chr13:32,340,763-32,340,765 gives the same sequence; the c. name uses the placement nearest the transcript's 3' end. VCF-style (leftmost placement, unchanged base first): chr13-32340762-TAA-T. GRCh37 (hg19) VCF-style: chr13-32914899-TAA-T.
Other names: short protein forms N2137fs.
Identifiers: ClinVar variation 1069760 (VCV001069760.9), dbSNP rs886038146, ClinGen allele CA2499222235.
Genomic context (GRCh38, chr13:32,340,762, plus strand): 5'-ACTGTGTAAACTCAGAAATGGAAAAAACCTGCAGTAAAGAATTTAAATTATCAAATAACT[TAA>T]ATGTTGAAGGTGGTTCTTCAGAAAATAATCACTCTATTAAAGTTTCTCCATATCTCTCTC-3'

ClinVar aggregate classification (germline): Pathogenic (1 of 4 stars; one submission).

Conditions:
Hereditary breast ovarian cancer syndrome. Also called: Breast and ovarian cancer; BRCA1- and BRCA2-Associated Hereditary Breast and Ovarian Cancer; Hereditary breast and ovarian cancer syndrome; Hereditary breast and/or ovarian cancer syndrome; Hereditary breast and ovarian cancer; Hereditary breast and ovarian cancer syndrome (HBOC). Identifiers: Orphanet 145, MedGen C0677776, MeSH D061325, MONDO:0003582. Disease mechanism: loss of function.

Submission:

Labcorp Genetics (formerly Invitae), Labcorp
Classification: Pathogenic for Hereditary breast ovarian cancer syndrome. Last evaluated: 2020-02-21. Review status: criteria provided, single submitter. Criteria: Invitae Variant Classification Sherloc (09022015). Collection method: clinical testing. Allele origin: germline.
Comment: For these reasons, this variant has been classified as Pathogenic. Loss-of-function variants in BRCA2 are known to be pathogenic (PMID: 20104584). This variant has not been reported in the literature in individuals with BRCA2-related conditions. This variant is not present in population databases (ExAC no frequency). This sequence change creates a premature translational stop signal (p.Asn2137Cysfs*2) in the BRCA2 gene. It is expected to result in an absent or disrupted protein product.

Literature cited by the submitters: PubMed 20104584.